The following is an entry in ClinVar:

NM_006767.4(LZTR1):c.1616G>T (p.Gly539Val)

Gene: LZTR1 (leucine zipper like post translational regulator 1; plus strand). Cytogenetic location: 22q11.21.
Variant type: single nucleotide variant.
Coding change: c.1616G>T on transcript NM_006767.4 (MANE Select); coding-DNA position 1616, G replaced by T.
Protein change: p.Gly539Val; replaces glycine 539 with valine.
Molecular consequence: missense variant.
Genome position (GRCh38, 1-based): chr22:20,994,558, G>T. VCF-style: chr22-20994558-G-T. GRCh37 (hg19) VCF-style: chr22-21348847-G-T.
Other names: short protein forms G539V.
Identifiers: ClinVar variation 3238113 (VCV003238113.1), dbSNP rs746896119.

ClinVar aggregate classification (germline): Uncertain significance (1 of 4 stars; one submission).

Conditions:
Hereditary cancer-predisposing syndrome. Also called: Neoplastic Syndromes, Hereditary; Tumor predisposition; Hereditary neoplastic syndrome; Hereditary Cancer Syndrome. Identifiers: Orphanet 140162, MedGen C0027672, MeSH D009386, MONDO:0015356.
Cardiovascular phenotype. Identifiers: MedGen CN230736.

Allele frequency attached by ClinVar (database versions not stated): gnomAD 0.00001.

Submission:

Ambry Genetics
Classification: Uncertain significance for Cardiovascular phenotype; Hereditary cancer-predisposing syndrome. Last evaluated: 2023-05-18. Review status: criteria provided, single submitter. Criteria: Ambry Variant Classification Scheme 2023. Collection method: clinical testing. Allele origin: germline.
Comment: The p.G539V variant (also known as c.1616G>T) is located in coding exon 15 of the LZTR1 gene. The glycine at codon 539 is replaced by valine, an amino acid with dissimilar properties. This change occurs in the first base pair of coding exon 15. This amino acid position is conserved. In addition, this alteration is predicted to be deleterious by in silico analysis. Since supporting evidence is limited at this time, the clinical significance of this alteration remains unclear.